The following is an entry in ClinVar:

NM_201384.3(PLEC):c.12860A>G (p.Glu4287Gly)

Gene: PLEC (plectin; minus strand). Cytogenetic location: 8q24.3.
Variant type: single nucleotide variant.
Coding change: c.12860A>G on transcript NM_201384.3 (MANE Select); coding-DNA position 12860, A replaced by G.
Protein change: p.Glu4287Gly; replaces glutamic acid 4287 with glycine.
Molecular consequence: missense variant.
Genome position (GRCh38, 1-based): chr8:143,916,961, T>C on the plus strand (A>G on the coding strand, the complement: PLEC is on the minus strand). VCF-style: chr8-143916961-T-C. GRCh37 (hg19) VCF-style: chr8-144991129-T-C.
Other names: c.12941A>G, p.Glu4314Gly (NM_000445.5); c.12818A>G, p.Glu4273Gly (NM_201378.4); c.12794A>G, p.Glu4265Gly (NM_201379.3); c.13271A>G, p.Glu4424Gly (NM_201380.4); c.12764A>G, p.Glu4255Gly (NM_201381.3); c.12860A>G, p.Glu4287Gly (NM_201382.4); c.12872A>G, p.Glu4291Gly (NM_201383.3); short protein forms E4255G, E4265G, E4273G, E4287G, E4291G, E4314G, E4424G.
Identifiers: ClinVar variation 497817 (VCV000497817.12), dbSNP rs1554670527, ClinGen allele CA372478359.
Genomic context (GRCh38, chr8:143,916,961, plus strand): 5'-GTGATGTTATCCACCAGGTTCCGGTGCATGGCCTCGGTGATGGACACCTTCTCCAGCGTC[T>C]CCGTGTCCAGGATGCCAGCCACGGGGCCCGTCTCCTCAGTGGGGTCTGACCAGGAGGCCA-3'
Protein context (NP_958786.1, residues 4277-4297): TGPVAGILDT[Glu4287Gly]TLEKVSITEA

ClinVar aggregate classification (germline): Uncertain significance. Review status: criteria provided, multiple submitters, no conflicts (2 of 4 stars). 3 submissions from 3 submitters: Uncertain significance (3). Last evaluated 2025-08-21.

Conditions:
Epidermolysis bullosa simplex 5B, with muscular dystrophy (EBS5B). Also called: EPIDERMOLYSIS BULLOSA SIMPLEX AND LIMB-GIRDLE MUSCULAR DYSTROPHY; Epidermolysis bullosa simplex with muscular dystrophy. Identifiers: Orphanet 257, MedGen C2931072, MONDO:0009181, OMIM 226670.
Epidermolysis bullosa simplex, Ogna type (EBS5A). Also called: Pidermolysis bullosa simplex 5A, Ogna type; EPIDERMOLYSIS BULLOSA SIMPLEX 5A, OGNA TYPE. Identifiers: Orphanet 79401, MedGen C0432317, MONDO:0007555, OMIM 131950.
Autosomal recessive limb-girdle muscular dystrophy type 2Q (LGMDR17). Also called: MUSCULAR DYSTROPHY, LIMB-GIRDLE, AUTOSOMAL RECESSIVE 17. Identifiers: Orphanet 254361, MedGen C3150989, MONDO:0013390, OMIM 613723.
Epidermolysis bullosa simplex 5C, with pyloric atresia (EBS5C). Also called: Epidermolysis bullosa simplex with pyloric atresia; PLEC1-Related Epidermolysis Bullosa with Pyloric Atresia; PLEC-Related Epidermolysis Bullosa with Pyloric Atresia. Identifiers: Orphanet 158684, MedGen C2677349, MONDO:0012807, OMIM 612138.
Epidermolysis bullosa simplex with nail dystrophy (EBS5D). Identifiers: MedGen C4225309, MONDO:0014661, OMIM 616487.

Allele frequency attached by ClinVar (database versions not stated): TOPMed below 0.00001; gnomAD 0.00001.
gnomAD v4.1: 1 of 1,612,706 alleles (0.000062%); highest among the groups gnomAD compares: Non-Finnish European, 0.000085%; no homozygotes.

Submissions (3):

Labcorp Genetics (formerly Invitae), Labcorp
Classification: Uncertain significance for Autosomal recessive limb-girdle muscular dystrophy type 2Q; Epidermolysis bullosa simplex, Ogna type; Epidermolysis bullosa simplex with nail dystrophy; Epidermolysis bullosa simplex 5C, with pyloric atresia; Epidermolysis bullosa simplex 5B, with muscular dystrophy. Last evaluated: 2025-08-21. Review status: criteria provided, single submitter. Criteria: Invitae Variant Classification Sherloc (09022015). Collection method: clinical testing. Allele origin: germline.
Comment: This sequence change replaces glutamic acid, which is acidic and polar, with glycine, which is neutral and non-polar, at codon 4314 of the PLEC protein (p.Glu4314Gly). This variant is not present in population databases (gnomAD no frequency). This variant has not been reported in the literature in individuals affected with PLEC-related conditions. ClinVar contains an entry for this variant (Variation ID: 497817). Invitae Evidence Modeling of protein sequence and biophysical properties (such as structural, functional, and spatial information, amino acid conservation, physicochemical variation, residue mobility, and thermodynamic stability) indicates that this missense variant is not expected to disrupt PLEC protein function with a negative predictive value of 80%. In summary, the available evidence is currently insufficient to determine the role of this variant in disease. Therefore, it has been classified as a Variant of Uncertain Significance.

Revvity Omics, Revvity
Classification: Uncertain significance. Last evaluated: 2023-06-06. Review status: criteria provided, single submitter. Criteria: ACMG Guidelines, 2015. Collection method: clinical testing. Allele origin: germline.

Eurofins Ntd Llc (ga)
Classification: Uncertain significance. Last evaluated: 2016-10-18. Review status: criteria provided, single submitter. Criteria: EGL Classification Definitions 2015. Collection method: clinical testing. Allele origin: germline. Observed: 1 variant allele, 1 heterozygote.